The following is an entry in ClinVar:

NC_000001.10:g.(19547343_19549117)_(19578019_?)dup

Gene: EMC1 (ER membrane protein complex subunit 1; minus strand). Cytogenetic location: 1p36.13.
Variant type: Duplication.
Identifiers: ClinVar variation 4687221 (VCV004687221.1).

ClinVar aggregate classification (germline): Uncertain significance (1 of 4 stars; one submission).

Submission:

Women's Health and Genetics/Laboratory Corporation of America, LabCorp
Classification: Uncertain significance. Last evaluated: 2025-10-17. Review status: criteria provided, single submitter. Criteria: LabCorp Variant Classification Summary - May 2015. Collection method: clinical testing. Allele origin: germline.
Comment: Variant summary: The variant involves the duplication of exons 1-20 in the EMC1 gene. The exact breakpoint at the 5' end of this variant is unknown, therefore this duplication may extend upstream of the annotated region of this gene. It is predicted to duplicate a segment including the initiation codon, therefore its impact on the encoded protein is unknown. A presumed nomenclature of c.(?_-16)_(2587+1_2588-1)dup has been designated for the purposes of this classification. The variant was absent in 21694 control chromosomes. The available data on variant occurrences in the general population are insufficient to allow any conclusion about variant significance. To our knowledge, no occurrence of c.(?_-16)_(2587+1_2588-1)dup in individuals affected with EMC1-related conditions and no experimental evidence demonstrating its impact on protein function have been reported. ClinVar contains an entry for this variant (Variation ID: 2426046). Based on the evidence outlined above, the variant was classified as uncertain significance.